The following is an entry in ClinVar:

NM_002471.4(MYH6):c.4651-12A>C

Genes: MYH6 (myosin heavy chain 6; minus strand), LOC126861896 (BRD4-independent group 4 enhancer GRCh37_chr14:23854904-23856103; plus strand). Cytogenetic location: 14q11.2.
Variant type: single nucleotide variant.
Coding change: c.4651-12A>C on transcript NM_002471.4 (MANE Select); 12 bases into the intron before coding-DNA position 4651, A replaced by C.
Molecular consequence: intron variant.
Genome position (GRCh38, 1-based): chr14:23,386,635, T>G on the plus strand (A>C on the coding strand, the complement: MYH6 is on the minus strand). VCF-style: chr14-23386635-T-G. GRCh37 (hg19) VCF-style: chr14-23855844-T-G.
Identifiers: ClinVar variation 36630 (VCV000036630.19), dbSNP rs193922653, ClinGen allele CA134421.

ClinVar aggregate classification (germline): Benign/Likely benign. Review status: criteria provided, multiple submitters, no conflicts (2 of 4 stars). 10 submissions from 10 submitters: Benign (4); Likely benign (1). 5 of the submissions do not count toward it. Last evaluated 2026-02-02.

Conditions:
Cardiomyopathy (CMYO). Also called: Cardiomyopathies. Identifiers: Orphanet 167848, MedGen C0878544, MONDO:0004994, HP:0001638. Inheritance: Various modes of inheritance.
Hypertrophic cardiomyopathy 14. Identifiers: MedGen C2750467, MONDO:0013197, OMIM 613251.
Primary dilated cardiomyopathy (DCM). Also called: Dilated Cardiomyopathy. Identifiers: Orphanet 217604, MedGen C0007193, MeSH D002311, MONDO:0005021, HP:0001644. Inheritance: Various modes of inheritance.

Allele frequency attached by ClinVar (database versions not stated): gnomAD exomes 0.00100; ExAC 0.00122; ESP Exome Variant Server 0.00123; gnomAD 0.00399 and 0.00413; 1000 Genomes Project 0.00419; 1000 Genomes Project 30x 0.00531.

Submissions (10):

Labcorp Genetics (formerly Invitae), Labcorp
Classification: Benign for Hypertrophic cardiomyopathy 14. Last evaluated: 2026-02-02. Review status: criteria provided, single submitter. Criteria: Invitae Variant Classification Sherloc (09022015). Collection method: clinical testing. Allele origin: germline.

Blueprint Genetics
Classification: Likely benign. Last evaluated: 2024-11-25. Review status: criteria provided, single submitter. Criteria: ACMG Guidelines, 2015. Collection method: clinical testing. Allele origin: germline.

Center for Advanced Laboratory Medicine, UC San Diego Health, University of California San Diego
Classification: Benign for Dilated cardiomyopathy. Last evaluated: 2019-05-08. Review status: criteria provided, single submitter. Criteria: ACMG Guidelines, 2015. Collection method: clinical testing. Allele origin: germline. Affected: yes. Observed: 1 variant allele.

GeneDx
Classification: Benign. Last evaluated: 2017-01-12. Review status: criteria provided, single submitter. Criteria: GeneDx Variant Classification (06012015). Collection method: clinical testing. Allele origin: germline. Affected: yes.
Comment: This variant is considered likely benign or benign based on one or more of the following criteria: it is a conservative change, it occurs at a poorly conserved position in the protein, it is predicted to be benign by multiple in silico algorithms, and/or has population frequency not consistent with disease.

Laboratory for Molecular Medicine, Mass General Brigham Personalized Medicine
Classification: Benign. Last evaluated: 2015-06-25. Review status: criteria provided, single submitter. Criteria: LMM Criteria. Collection method: clinical testing. Allele origin: germline. Observed: 7 variant alleles.
Comment: c.4651-12A>C in intron 32 of MYH6: This variant is not expected to have clinical significance because it has been identified in 1.4% (139/10018) of African chro mosomes by the Exome Aggregation Consortium (ExAC, g/, dbSNP rs193922653).

Women's Health and Genetics/Laboratory Corporation of America, LabCorp
Classification: Benign for Cardiomyopathy. Last evaluated: 2015-05-26. Review status: no assertion criteria provided. Collection method: clinical testing. Allele origin: germline. Not counted in ClinVar's aggregate classification.

Clinical Genetics DNA and cytogenetics Diagnostics Lab, Erasmus MC, Erasmus Medical Center
Classification: Benign. Review status: no assertion criteria provided. Collection method: clinical testing. Allele origin: germline. Affected: yes. Study: VKGL Data-share Consensus. Not counted in ClinVar's aggregate classification.

Clinical Genetics, Academic Medical Center
Classification: Benign. Review status: no assertion criteria provided. Collection method: clinical testing. Allele origin: germline. Affected: yes. Study: VKGL Data-share Consensus. Not counted in ClinVar's aggregate classification.

Genome Diagnostics Laboratory, University Medical Center Utrecht
Classification: Likely benign. Review status: no assertion criteria provided. Collection method: clinical testing. Allele origin: germline. Affected: yes. Study: VKGL Data-share Consensus. Not counted in ClinVar's aggregate classification.

Joint Genome Diagnostic Labs from Nijmegen and Maastricht, Radboudumc and MUMC+
Classification: Benign. Review status: no assertion criteria provided. Collection method: clinical testing. Allele origin: germline. Affected: yes. Study: VKGL Data-share Consensus. Not counted in ClinVar's aggregate classification.